The following is an entry in ClinVar:

ClinVar aggregate classification (germline): Uncertain significance (1 of 4 stars; one submission).

Submission:

Ambry Genetics
Classification: Uncertain significance. Last evaluated: 2022-01-01. Review status: criteria provided, single submitter. Criteria: Ambry Variant Classification Scheme 2023. Collection method: clinical testing. Allele origin: germline.
Comment: The p.T98S variant (also known as c.293C>G), located in coding exon 2 of the IDH1 gene, results from a C to G substitution at nucleotide position 293. The threonine at codon 98 is replaced by serine, an amino acid with similar properties. This amino acid position is conserved. In addition, the in silico prediction for this alteration is inconclusive. Since supporting evidence is limited at this time, the clinical significance of this alteration remains unclear.

NM_005896.4(IDH1):c.293C>G (p.Thr98Ser)

Gene: IDH1 (isocitrate dehydrogenase (NADP(+)) 1; minus strand). Cytogenetic location: 2q34.
Variant type: single nucleotide variant.
Coding change: c.293C>G on transcript NM_005896.4 (MANE Select); coding-DNA position 293, C replaced by G.
Protein change: p.Thr98Ser; replaces threonine 98 with serine.
Molecular consequence: missense variant.
Genome position (GRCh38, 1-based): chr2:208,248,490, G>C on the plus strand (C>G on the coding strand, the complement: IDH1 is on the minus strand). VCF-style: chr2-208248490-G-C. GRCh37 (hg19) VCF-style: chr2-209113214-G-C.
Other names: c.293C>G, p.Thr98Ser (NM_001282386.1, NM_001282387.1); short protein forms T98S.
Identifiers: ClinVar variation 1797899 (VCV001797899.2), dbSNP rs1228832554, ClinGen allele CA350101614.